The following is an entry in ClinVar:

NM_021008.4(DEAF1):c.1648G>A (p.Ala550Thr)

Gene: DEAF1 (DEAF1 transcription factor; minus strand). Cytogenetic location: 11p15.5.
Variant type: single nucleotide variant.
Coding change: c.1648G>A on transcript NM_021008.4 (MANE Select); coding-DNA position 1648, G replaced by A.
Protein change: p.Ala550Thr; replaces alanine 550 with threonine.
Molecular consequence: missense variant.
Genome position (GRCh38, 1-based): chr11:644,600, C>T on the plus strand (G>A on the coding strand, the complement: DEAF1 is on the minus strand). VCF-style: chr11-644600-C-T. GRCh37 (hg19) VCF-style: chr11-644600-C-T.
Other names: c.1423G>A, p.Ala475Thr (NM_001293634.2); c.922G>A, p.Ala308Thr (NM_001367390.1); short protein forms A308T, A475T, A550T.
Identifiers: ClinVar variation 1509227 (VCV001509227.7), dbSNP rs2133262164, ClinGen allele CA379012283.

ClinVar aggregate classification (germline): Uncertain significance (1 of 4 stars; one submission).

Submission:

Labcorp Genetics (formerly Invitae), Labcorp
Classification: Uncertain significance. Last evaluated: 2023-08-14. Review status: criteria provided, single submitter. Criteria: Invitae Variant Classification Sherloc (09022015). Collection method: clinical testing. Allele origin: germline.
Comment: This sequence change replaces alanine, which is neutral and non-polar, with threonine, which is neutral and polar, at codon 550 of the DEAF1 protein (p.Ala550Thr). This variant is not present in population databases (gnomAD no frequency). This variant has not been reported in the literature in individuals affected with DEAF1-related conditions. ClinVar contains an entry for this variant (Variation ID: 1509227). Advanced modeling of protein sequence and biophysical properties (such as structural, functional, and spatial information, amino acid conservation, physicochemical variation, residue mobility, and thermodynamic stability) performed at Invitae indicates that this missense variant is not expected to disrupt DEAF1 protein function. In summary, the available evidence is currently insufficient to determine the role of this variant in disease. Therefore, it has been classified as a Variant of Uncertain Significance.